The following is an entry in ClinVar:

NM_001001433.3(STX16):c.102dup (p.Ser35fs)

Genes: STX16 (syntaxin 16; plus strand), STX16-NPEPL1 (STX16-NPEPL1 readthrough (NMD candidate); plus strand). Cytogenetic location: 20q13.32.
Variant type: Duplication.
Coding change: c.102dup on transcript NM_001001433.3 (MANE Select); coding-DNA position 102, one base duplicated (C; older notation c.102dupC).
Protein change: p.Ser35fs; shifts the reading frame from serine 35.
Molecular consequence: frameshift variant. On other transcripts: non-coding transcript variant (2), 5 prime UTR variant (1), intron variant (2).
Genome position (GRCh38, 1-based): chr20:58,652,108, C duplicated; the last of 2 consecutive C bases (chr20:58,652,107-58,652,108); duplicating either gives the same sequence. VCF-style (leftmost placement, unchanged base first): chr20-58652106-T-TC. GRCh37 (hg19) VCF-style: chr20-57227162-T-TC.
Other names: c.102dup, p.Ser35fs (NM_001134772.3); c.-58dup (NM_001204868.2); c.81+21dup (NM_001134773.3, NM_003763.6); short protein forms S35fs.
Identifiers: ClinVar variation 2877348 (VCV002877348.3), dbSNP rs1461082513, ClinGen allele CA746010340.

ClinVar aggregate classification (germline): Uncertain significance (1 of 4 stars; one submission).

Submission:

Labcorp Genetics (formerly Invitae), Labcorp
Classification: Uncertain significance. Last evaluated: 2025-06-12. Review status: criteria provided, single submitter. Criteria: Invitae Variant Classification Sherloc (09022015). Collection method: clinical testing. Allele origin: germline.
Comment: This sequence change creates a premature translational stop signal (p.Ser35Glnfs*7) in the STX16 gene. It is expected to result in an absent or disrupted protein product. However, the current clinical and genetic evidence is not sufficient to establish whether loss-of-function variants in STX16 cause disease. This variant is not present in population databases (gnomAD no frequency). This variant has not been reported in the literature in individuals affected with STX16-related conditions. ClinVar contains an entry for this variant (Variation ID: 2877348). Algorithms developed to predict the effect of sequence changes on RNA splicing suggest that this variant may disrupt the consensus splice site. In summary, the available evidence is currently insufficient to determine the role of this variant in disease. Therefore, it has been classified as a Variant of Uncertain Significance.